The following is an entry in ClinVar:

NM_022089.4(ATP13A2):c.835A>G (p.Arg279Gly)

Gene: ATP13A2 (ATPase cation transporting 13A2; minus strand). Cytogenetic location: 1p36.13.
Variant type: single nucleotide variant.
Coding change: c.835A>G on transcript NM_022089.4 (MANE Select); coding-DNA position 835, A replaced by G.
Protein change: p.Arg279Gly; replaces arginine 279 with glycine.
Molecular consequence: missense variant.
Genome position (GRCh38, 1-based): chr1:17,000,405, T>C on the plus strand (A>G on the coding strand, the complement: ATP13A2 is on the minus strand). VCF-style: chr1-17000405-T-C. GRCh37 (hg19) VCF-style: chr1-17326900-T-C.
Other names: c.820A>G, p.Arg274Gly (NM_001141973.3, NM_001141974.3); short protein forms R274G, R279G.
Identifiers: ClinVar variation 2417946 (VCV002417946.7), dbSNP rs765812833, ClinGen allele CA637482.

ClinVar aggregate classification (germline): Uncertain significance (1 of 4 stars; one submission).

Conditions:
Kufor-Rakeb syndrome (KRS). Also called: PARKINSON DISEASE 9, AUTOSOMAL RECESSIVE, JUVENILE-ONSET. Identifiers: Orphanet 306674, Orphanet 314632, MedGen C1847640, MONDO:0011706, OMIM 606693.
Autosomal recessive spastic paraplegia type 78. Identifiers: Orphanet 513436, MedGen C5567893, MONDO:0014975, OMIM 617225.

Allele frequency attached by ClinVar (database versions not stated): gnomAD exomes below 0.00001; ExAC 0.00002; gnomAD 0.00002; TOPMed 0.00003.

Submission:

Labcorp Genetics (formerly Invitae), Labcorp
Classification: Uncertain significance for Kufor-Rakeb syndrome; Autosomal recessive spastic paraplegia type 78. Last evaluated: 2024-09-30. Review status: criteria provided, single submitter. Criteria: Invitae Variant Classification Sherloc (09022015). Collection method: clinical testing. Allele origin: germline.
Comment: This sequence change replaces arginine, which is basic and polar, with glycine, which is neutral and non-polar, at codon 279 of the ATP13A2 protein (p.Arg279Gly). This variant is present in population databases (rs765812833, gnomAD 0.02%). This variant has not been reported in the literature in individuals affected with ATP13A2-related conditions. ClinVar contains an entry for this variant (Variation ID: 2417946). Invitae Evidence Modeling of protein sequence and biophysical properties (such as structural, functional, and spatial information, amino acid conservation, physicochemical variation, residue mobility, and thermodynamic stability) indicates that this missense variant is expected to disrupt ATP13A2 protein function with a positive predictive value of 80%. In summary, the available evidence is currently insufficient to determine the role of this variant in disease. Therefore, it has been classified as a Variant of Uncertain Significance.